The following is an entry in ClinVar:

NM_001377.3(DYNC2H1):c.1769C>T (p.Ser590Phe)

Gene: DYNC2H1 (dynein cytoplasmic 2 heavy chain 1; plus strand). Cytogenetic location: 11q22.3.
Variant type: single nucleotide variant.
Coding change: c.1769C>T on transcript NM_001377.3 (MANE Select); coding-DNA position 1769, C replaced by T.
Protein change: p.Ser590Phe; replaces serine 590 with phenylalanine.
Molecular consequence: missense variant.
Genome position (GRCh38, 1-based): chr11:103,125,207, C>T. VCF-style: chr11-103125207-C-T. GRCh37 (hg19) VCF-style: chr11-102995936-C-T.
Other names: c.1769C>T, p.Ser590Phe (NM_001080463.2); short protein forms S590F.
Identifiers: ClinVar variation 1474406 (VCV001474406.5), dbSNP rs1269262525, ClinGen allele CA382255095.

ClinVar aggregate classification (germline): Uncertain significance (1 of 4 stars; one submission).

Conditions:
Jeune thoracic dystrophy. Also called: Short-rib thoracic dysplasia; Jeune syndrome; Infantile thoracic dystrophy; Thoracic pelvic phalangeal dystrophy; Jeune's syndrome; Chondroectodermal dysplasia-like syndrome. Identifiers: Orphanet 474, MedGen C0265275, MONDO:0018770.

Allele frequency attached by ClinVar (database versions not stated): gnomAD exomes below 0.00001; TOPMed 0.00001.

Submission:

Labcorp Genetics (formerly Invitae), Labcorp
Classification: Uncertain significance for Jeune thoracic dystrophy. Last evaluated: 2021-08-30. Review status: criteria provided, single submitter. Criteria: Invitae Variant Classification Sherloc (09022015). Collection method: clinical testing. Allele origin: germline.
Comment: This sequence change replaces serine with phenylalanine at codon 590 of the DYNC2H1 protein (p.Ser590Phe). The serine residue is highly conserved and there is a large physicochemical difference between serine and phenylalanine. This variant is not present in population databases (ExAC no frequency). This variant has not been reported in the literature in individuals affected with DYNC2H1-related conditions. Advanced modeling of protein sequence and biophysical properties (such as structural, functional, and spatial information, amino acid conservation, physicochemical variation, residue mobility, and thermodynamic stability) performed at Invitae indicates that this missense variant is not expected to disrupt DYNC2H1 protein function. In summary, the available evidence is currently insufficient to determine the role of this variant in disease. Therefore, it has been classified as a Variant of Uncertain Significance.